The following is an entry in ClinVar:

NM_001127208.3(TET2):c.94A>T (p.Thr32Ser)

Genes: TET2 (tet methylcytosine dioxygenase 2; plus strand), TET2-AS1 (TET2 antisense RNA 1; minus strand). Cytogenetic location: 4q24.
Variant type: single nucleotide variant.
Coding change: c.94A>T on transcript NM_001127208.3 (MANE Select); coding-DNA position 94, A replaced by T.
Protein change: p.Thr32Ser; replaces threonine 32 with serine.
Molecular consequence: missense variant.
Genome position (GRCh38, 1-based): chr4:105,234,036, A>T. VCF-style: chr4-105234036-A-T. GRCh37 (hg19) VCF-style: chr4-106155193-A-T.
Other names: c.94A>T, p.Thr32Ser (NM_017628.4); short protein forms T32S.
Identifiers: ClinVar variation 4594126 (VCV004594126.1).

ClinVar aggregate classification (germline): Uncertain significance (1 of 4 stars; one submission).

gnomAD v4.1: 1 of 1,614,118 alleles (0.000062%); no homozygotes.

Submission:

Ambry Genetics
Classification: Uncertain significance. Last evaluated: 2025-09-26. Review status: criteria provided, single submitter. Criteria: Ambry Variant Classification Scheme 2023. Collection method: clinical testing. Allele origin: germline.
Comment: The p.T32S variant (also known as c.94A>T), located in coding exon 1 of the TET2 gene, results from an A to T substitution at nucleotide position 94. The threonine at codon 32 is replaced by serine, an amino acid with similar properties. This amino acid position is conserved. In addition, this alteration is predicted to be tolerated by in silico analysis. Based on the available evidence, the clinical significance of this variant remains unclear.